The following is an entry in ClinVar:

NM_000059.4(BRCA2):c.829A>C (p.Asn277His)

Gene: BRCA2 (BRCA2 DNA repair associated; plus strand). Cytogenetic location: 13q13.1.
Variant type: single nucleotide variant.
Coding change: c.829A>C on transcript NM_000059.4 (MANE Select); coding-DNA position 829, A replaced by C.
Protein change: p.Asn277His; replaces asparagine 277 with histidine.
Molecular consequence: missense variant. On other transcripts: non-coding transcript variant (1), intron variant (1).
Genome position (GRCh38, 1-based): chr13:32,332,307, A>C. VCF-style: chr13-32332307-A-C. GRCh37 (hg19) VCF-style: chr13-32906444-A-C.
Other names: c.829A>C, p.Asn277His (NM_001406719.1, NM_001406720.1, NM_001406721.1 and 1 more transcripts); c.424+1277A>C (NM_001406722.1); short protein forms N277H.
Identifiers: ClinVar variation 4532836 (VCV004532836.1).

ClinVar aggregate classification (germline): Uncertain significance (1 of 4 stars; one submission).

Submission:

Quest Diagnostics Nichols Institute San Juan Capistrano
Classification: Uncertain significance. Last evaluated: 2025-09-10. Review status: criteria provided, single submitter. Criteria: Quest Diagnostics criteria. Collection method: clinical testing. Allele origin: unknown.
Comment: The BRCA2 c.829A>C (p.Asn277His) variant has not been reported in individuals with BRCA2-related conditions in the published literature. This variant also has not been reported in large, multi-ethnic general populations (Genome Aggregation Database). Analysis of this variant using bioinformatics tools for the prediction of the effect of amino acid changes on protein structure and function yielded predictions that this variant is benign. Based on the available information, we are unable to determine the clinical significance of this variant.